The following is an entry in ClinVar:

ClinVar aggregate classification (germline): Uncertain significance (1 of 4 stars; one submission).

Conditions:
Hereditary spastic paraplegia 3A (SPG3A). Also called: Spastic paraplegia 3A, autosomal dominant; SPASTIC PARAPLEGIA 3, AUTOSOMAL DOMINANT; FAMILIAL SPASTIC PARAPLEGIA, AUTOSOMAL DOMINANT, 1; SPG3; STRUMPELL DISEASE; Spastic Paraplegia 3A. Identifiers: Orphanet 100984, MedGen C2931355, MONDO:0008437, OMIM 182600.

Submission:

Labcorp Genetics (formerly Invitae), Labcorp
Classification: Uncertain significance for Hereditary spastic paraplegia 3A. Last evaluated: 2018-02-13. Review status: criteria provided, single submitter. Criteria: Invitae Variant Classification Sherloc (09022015). Collection method: clinical testing. Allele origin: germline.
Comment: This variant is a gross duplication of the genomic region encompassing exons 9-14 of the ATL1 gene. The 5' boundary is likely confined to intron 8. The 3' end of this event is unknown as it extends beyond the assayed region for this gene and therefore may encompass additional genes. The exact location of this variant in the genome is unknown. This variant has not been reported in the literature in individuals with ATL1-related disease. In summary, the available evidence is currently insufficient to determine the role of this variant in disease. Therefore, it has been classified as a Variant of Uncertain Significance.

NC_000014.8:g.(?_51087297)_(51099077_?)dup

Gene: ATL1 (atlastin GTPase 1; plus strand). Cytogenetic location: 14q22.1.
Variant type: Duplication.
Identifiers: ClinVar variation 584184 (VCV000584184.7).